The following is an entry in ClinVar:

ClinVar aggregate classification (germline): Uncertain significance. Review status: criteria provided, multiple submitters, no conflicts (2 of 4 stars). 2 submissions from 2 submitters: Uncertain significance (2). Last evaluated 2025-06-28.

Conditions:
Drash syndrome (DDS). Also called: WILMS TUMOR AND PSEUDO- OR TRUE HERMAPHRODITISM; NEPHROPATHY, WILMS TUMOR, AND GENITAL ANOMALIES. Identifiers: Orphanet 220, MedGen C0950121, MONDO:0008682, OMIM 194080.
Wilms tumor 1 (WT1). Also called: Wilms tumor, somatic. Identifiers: Orphanet 654, MedGen CN033288, MONDO:0008679, OMIM 194070.
Frasier syndrome. Identifiers: Orphanet 347, MedGen C0950122, MeSH D052159, MONDO:0007635, OMIM 136680.
11p partial monosomy syndrome (WAGR). Also called: WAGR Complex; WAGR Spectrum Disorder; WAGR syndrome; CHROMOSOME 11p13 DELETION SYNDROME. Identifiers: Orphanet 893, MedGen C0206115, MONDO:0008681, OMIM 194072.
Inborn genetic diseases. Identifiers: MedGen C0950123, MeSH D030342.

Submissions (2):

Ambry Genetics
Classification: Uncertain significance for Inborn genetic diseases. Last evaluated: 2025-06-28. Review status: criteria provided, single submitter. Criteria: Ambry Variant Classification Scheme 2023. Collection method: clinical testing. Allele origin: germline.
Comment: The p.H235L variant (also known as c.704A>T), located in coding exon 2 of the WT1 gene, results from an A to T substitution at nucleotide position 704. The histidine at codon 235 is replaced by leucine, an amino acid with similar properties. This amino acid position is conserved. In addition, the in silico prediction for this alteration is inconclusive. Based on the available evidence, the clinical significance of this variant remains unclear.

Labcorp Genetics (formerly Invitae), Labcorp
Classification: Uncertain significance for Wilms tumor 1; Drash syndrome; 11p partial monosomy syndrome; Frasier syndrome. Last evaluated: 2022-11-26. Review status: criteria provided, single submitter. Criteria: Invitae Variant Classification Sherloc (09022015). Collection method: clinical testing. Allele origin: germline.
Comment: Advanced modeling of protein sequence and biophysical properties (such as structural, functional, and spatial information, amino acid conservation, physicochemical variation, residue mobility, and thermodynamic stability) performed at Invitae indicates that this missense variant is not expected to disrupt WT1 protein function. In summary, the available evidence is currently insufficient to determine the role of this variant in disease. Therefore, it has been classified as a Variant of Uncertain Significance. ClinVar contains an entry for this variant (Variation ID: 1442674). This variant has not been reported in the literature in individuals affected with WT1-related conditions. This variant is not present in population databases (gnomAD no frequency). This sequence change replaces histidine, which is basic and polar, with leucine, which is neutral and non-polar, at codon 235 of the WT1 protein (p.His235Leu).

NM_024426.6(WT1):c.719A>T (p.His240Leu)

Gene: WT1 (WT1 transcription factor; minus strand). Cytogenetic location: 11p13.
Variant type: single nucleotide variant.
Coding change: c.719A>T on transcript NM_024426.6 (MANE Select); coding-DNA position 719, A replaced by T.
Protein change: p.His240Leu; replaces histidine 240 with leucine.
Molecular consequence: missense variant. On other transcripts: non-coding transcript variant (1).
Genome position (GRCh38, 1-based): chr11:32,428,562, T>A on the plus strand (A>T on the coding strand, the complement: WT1 is on the minus strand). VCF-style: chr11-32428562-T-A. GRCh37 (hg19) VCF-style: chr11-32450108-T-A.
Other names: c.719A>T, p.His240Leu (NM_000378.6, NM_001407044.1, NM_001407045.1 and 4 more transcripts); c.68A>T, p.His23Leu (NM_001198551.2, NM_001198552.2); c.-44A>T (NM_001407051.1); c.704A>T, p.His235Leu (NM_024425.2); c.704A>T (NM_024426.4); short protein forms H240L, H23L, H235L.
Identifiers: ClinVar variation 1442674 (VCV001442674.10), dbSNP rs886932571, ClinGen allele CA379963433.